The following is an entry in ClinVar:

NM_001080453.3(INTS1):c.4704G>A (p.Ala1568=)

Gene: INTS1 (integrator complex subunit 1; minus strand). Cytogenetic location: 7p22.3.
Variant type: single nucleotide variant.
Coding change: c.4704G>A on transcript NM_001080453.3 (MANE Select); coding-DNA position 4704, G replaced by A.
Protein change: p.Ala1568=; no amino-acid change (alanine 1568 retained).
Molecular consequence: synonymous variant.
Genome position (GRCh38, 1-based): chr7:1,477,863, C>T on the plus strand (G>A on the coding strand, the complement: INTS1 is on the minus strand). VCF-style: chr7-1477863-C-T. GRCh37 (hg19) VCF-style: chr7-1517499-C-T.
Identifiers: ClinVar variation 4854301 (VCV004854301.1).

ClinVar aggregate classification (germline): Uncertain significance (1 of 4 stars; one submission).

Conditions:
Neurodevelopmental disorder with cataracts, poor growth, and dysmorphic facies. Identifiers: MedGen C5231414, MONDO:0032817, OMIM 618571.

Submission:

3billion
Classification: Uncertain significance for Neurodevelopmental disorder with cataracts, poor growth, and dysmorphic facies. Last evaluated: 2025-08-07. Review status: criteria provided, single submitter. Criteria: ACMG Guidelines, 2015. Collection method: clinical testing. Allele origin: germline. Affected: yes.
Comment: The variant is observed at an extremely low frequency in the gnomAD v4.1.0 dataset (total allele frequency: <0.001%). Predicted Consequence/Location: Synonymous variant In silico tools predict the variant to alter splicing and produce an abnormal transcript [SpliceAI: 0.99 (>=0.2, moderate evidence for spliceogenicity)]. Therefore, this variant is classified as VUS according to the recommendation of ACMG/AMP guideline.